The following is an entry in ClinVar:

NM_014874.4(MFN2):c.2069+4A>G

Gene: MFN2 (mitofusin 2; plus strand). Cytogenetic location: 1p36.22.
Variant type: single nucleotide variant.
Coding change: c.2069+4A>G on transcript NM_014874.4 (MANE Select); 4 bases into the intron after coding-DNA position 2069, A replaced by G.
Molecular consequence: intron variant.
Genome position (GRCh38, 1-based): chr1:12,007,253, A>G. VCF-style: chr1-12007253-A-G. GRCh37 (hg19) VCF-style: chr1-12067310-A-G.
Other names: c.2069+4A>G (NM_001127660.2).
Identifiers: ClinVar variation 1370251 (VCV001370251.6), dbSNP rs2100858892, ClinGen allele CA2573130604.
Genomic context (GRCh38, chr1:12,007,253, plus strand): 5'-GAAGCTGCAGCTTGTCATCAGCTACACTGGCTCCAACTGCAGCCACCAAGTCCAGCAGTG[A>G]GTGGCCCTGTCGGACCCCAGCAGGGGACTTCCTTTAGGCAGGGTCAGCCCCATCTCCCTT-3'

ClinVar aggregate classification (germline): Uncertain significance (1 of 4 stars; one submission).

Conditions:
Charcot-Marie-Tooth disease type 2. Also called: Charcot-Marie-Tooth type 2. Identifiers: Orphanet 64746, MedGen C0270914, MONDO:0018993.

Submission:

Labcorp Genetics (formerly Invitae), Labcorp
Classification: Uncertain significance for Charcot-Marie-Tooth disease type 2. Last evaluated: 2021-07-27. Review status: criteria provided, single submitter. Criteria: Invitae Variant Classification Sherloc (09022015). Collection method: clinical testing. Allele origin: germline.
Comment: In summary, the available evidence is currently insufficient to determine the role of this variant in disease. Therefore, it has been classified as a Variant of Uncertain Significance. Nucleotide substitutions within the consensus splice site are a relatively common cause of aberrant splicing (PMID: 17576681, 9536098). Algorithms developed to predict the effect of sequence changes on RNA splicing suggest that this variant may disrupt the consensus splice site. This variant has not been reported in the literature in individuals affected with MFN2-related conditions. This variant is not present in population databases (ExAC no frequency). This sequence change falls in intron 17 of the MFN2 gene. It does not directly change the encoded amino acid sequence of the MFN2 protein. It affects a nucleotide within the consensus splice site of the intron.

Literature cited by the submitters: PubMed 17576681; PubMed 9536098.